The following is an entry in ClinVar:

GRCh38/hg38 15q11.2(chr15:22494386-23125490)x1

Genes: NIPA1 (NIPA magnesium transporter 1; plus strand), CYFIP1 (cytoplasmic FMR1 interacting protein 1; minus strand), NIPA2 (NIPA magnesium transporter 2; plus strand), TUBGCP5 (tubulin gamma complex component 5; minus strand), LOC130056708 (ATAC-STARR-seq lymphoblastoid silent region 6258; plus strand) and 15 more. Cytogenetic location: 15q11.2.
Variant type: copy number loss.
Change: copy number 1 (one copy instead of two) of chr15:22,494,386-23,125,490 (631.1 kb, GRCh38 coordinates, 1-based), cytogenetic band 15q11.2.
Identifiers: ClinVar variation 4886798 (VCV004886798.1).

ClinVar aggregate classification (germline): Pathogenic (0 of 4 stars; one submission).

Submission:

Diagnostics Centre, Carl Von Ossietzky University Oldenburg
Classification: Pathogenic. Last evaluated: 2025-10-23. Review status: no assertion criteria provided. Collection method: clinical testing. Allele origin: germline. Affected: yes. Observed: 1 variant allele.
Comment: The present alteration is a heterozygous deletion in 15q11.2. It spans >600kb and includes 4 genes. Various pathogenic deletions of comparable position and size have been described within the scope of the so-called 15q11.2 microdeletion syndrome. In 15q11.2 microdeletion syndrome, a deletion of approximately 500kb is present. Larger deletions involving the chromosomal regions 15q12 and 15q13.3 cause either Prader-Willi syndrome or Angelman syndrome. The exact breakpoints could not be determined using the method applied. This might be possible with an alternative method. The breakpoints of the deletion present here are located in 15q11.2 and do not affect the 15q12 and 15q13.3 regions.The 15q11.2 microdeletion syndrome exhibits a highly variable clinical phenotype. Possible symptoms include speech development disorders, learning difficulties, as well as gross and fine motor problems. Coordination difficulties have been described in some affected individuals. Reduced muscle tone (muscular hypotonia) is also possible. In addition, behavioral abnormalities (hyperactivity/ADHD, autism), eye problems (especially strabismus), more rarely feeding difficulties in early childhood, and rarely short stature—sometimes already prenatally—have been described in connection with a 15q11.2 microdeletion. Epilepsy is observed in approximately 1/3 of children with a 15q11.2 microdeletion. In individual cases, recurrent (frequently reoccurring) ear infections have also been described, which can result in hearing loss. In summary, this variant is classified as Pathogenic.